The following is an entry in ClinVar:

NM_020312.4(COQ9):c.921+13C>T

Gene: COQ9 (coenzyme Q9; plus strand). Cytogenetic location: 16q21.
Variant type: single nucleotide variant.
Coding change: c.921+13C>T on transcript NM_020312.4 (MANE Select); 13 bases into the intron after coding-DNA position 921, C replaced by T.
Molecular consequence: intron variant.
Genome position (GRCh38, 1-based): chr16:57,460,117, C>T. VCF-style: chr16-57460117-C-T. GRCh37 (hg19) VCF-style: chr16-57494029-C-T.
Identifiers: ClinVar variation 136991 (VCV000136991.16), dbSNP rs115677652, ClinGen allele CA290450.

ClinVar aggregate classification (germline): Benign/Likely benign. Review status: criteria provided, multiple submitters, no conflicts (2 of 4 stars). 5 submissions from 5 submitters: Benign (4); Likely benign (1). Last evaluated 2026-02-04.

Conditions:
Encephalopathy-hypertrophic cardiomyopathy-renal tubular disease syndrome. Identifiers: Orphanet 319678, MedGen C3553374, MONDO:0013840, OMIM 614654.

Allele frequency attached by ClinVar (database versions not stated): 1000 Genomes Project 0.01258; gnomAD 0.01317 and 0.01233; 1000 Genomes Project 30x 0.01327; gnomAD exomes 0.00302; ExAC 0.00369; TOPMed 0.01419; ESP Exome Variant Server 0.01462.
gnomAD v4.1: 3,595 of 1,613,620 alleles (0.22%); highest among the groups gnomAD compares: African/African-American, 4.3%; 77 homozygotes.

Submissions (5):

Labcorp Genetics (formerly Invitae), Labcorp
Classification: Benign. Last evaluated: 2026-02-04. Review status: criteria provided, single submitter. Criteria: Invitae Variant Classification Sherloc (09022015). Collection method: clinical testing. Allele origin: germline.

ARUP Laboratories, Molecular Genetics and Genomics, ARUP Laboratories
Classification: Benign for Encephalopathy-hypertrophic cardiomyopathy-renal tubular disease syndrome. Last evaluated: 2022-03-01. Review status: criteria provided, single submitter. Criteria: ARUP Molecular Germline Variant Investigation Process 2021. Collection method: clinical testing. Allele origin: germline.

Fulgent Genetics
Classification: Likely benign for Encephalopathy-hypertrophic cardiomyopathy-renal tubular disease syndrome. Last evaluated: 2021-11-05. Review status: criteria provided, single submitter. Criteria: ACMG Guidelines, 2015. Collection method: clinical testing. Allele origin: unknown.

Illumina Laboratory Services, Illumina
Classification: Benign for Encephalopathy-hypertrophic cardiomyopathy-renal tubular disease syndrome. Last evaluated: 2018-01-13. Review status: criteria provided, single submitter. Criteria: ICSL Variant Classification Criteria 13 December 2019. Collection method: clinical testing. Allele origin: germline.
Comment: This variant was observed in the ICSL laboratory as part of a predisposition screen in an ostensibly healthy population. It had not been previously curated by ICSL or reported in the Human Gene Mutation Database (HGMD: prior to June 1st, 2018), and was therefore a candidate for classification through an automated scoring system. Utilizing variant allele frequency, disease prevalence and penetrance estimates, and inheritance mode, an automated score was calculated to assess if this variant is too frequent to cause the disease. Based on the score and internal cut-off values, a variant classified as benign is not then subjected to further curation. The score for this variant resulted in a classification of benign for this disease.

GeneDx
Classification: Benign. Last evaluated: 2014-01-04. Review status: criteria provided, single submitter. Criteria: GeneDx Variant Classification (06012015). Collection method: clinical testing. Allele origin: germline. Affected: yes.
Comment: This variant is considered likely benign or benign based on one or more of the following criteria: it is a conservative change, it occurs at a poorly conserved position in the protein, it is predicted to be benign by multiple in silico algorithms, and/or has population frequency not consistent with disease.